The following is an entry in ClinVar:

NM_003737.4(DCHS1):c.7136G>A (p.Ser2379Asn)

Gene: DCHS1 (dachsous cadherin-related 1; minus strand). Cytogenetic location: 11p15.4.
Variant type: single nucleotide variant.
Coding change: c.7136G>A on transcript NM_003737.4 (MANE Select); coding-DNA position 7136, G replaced by A.
Protein change: p.Ser2379Asn; replaces serine 2379 with asparagine.
Molecular consequence: missense variant.
Genome position (GRCh38, 1-based): chr11:6,625,208, C>T on the plus strand (G>A on the coding strand, the complement: DCHS1 is on the minus strand). VCF-style: chr11-6625208-C-T. GRCh37 (hg19) VCF-style: chr11-6646439-C-T.
Other names: short protein forms S2379N.
Identifiers: ClinVar variation 2908073 (VCV002908073.3), dbSNP rs141850568, ClinGen allele CA5859693.

ClinVar aggregate classification (germline): Uncertain significance (1 of 4 stars; one submission).

Submission:

Labcorp Genetics (formerly Invitae), Labcorp
Classification: Uncertain significance. Last evaluated: 2025-12-28. Review status: criteria provided, single submitter. Criteria: Invitae Variant Classification Sherloc (09022015). Collection method: clinical testing. Allele origin: germline.
Comment: This sequence change replaces serine, which is neutral and polar, with asparagine, which is neutral and polar, at codon 2379 of the DCHS1 protein (p.Ser2379Asn). This variant is present in population databases (rs141850568, gnomAD 0.006%). This variant has not been reported in the literature in individuals affected with DCHS1-related conditions. ClinVar contains an entry for this variant (Variation ID: 2908073). Invitae Evidence Modeling of protein sequence and biophysical properties (such as structural, functional, and spatial information, amino acid conservation, physicochemical variation, residue mobility, and thermodynamic stability) indicates that this missense variant is not expected to disrupt DCHS1 protein function with a negative predictive value of 80%. In summary, the available evidence is currently insufficient to determine the role of this variant in disease. Therefore, it has been classified as a Variant of Uncertain Significance.